The following is an entry in ClinVar:

NM_058216.3(RAD51C):c.29T>C (p.Met10Thr)

Gene: RAD51C (RAD51 paralog C; plus strand). Cytogenetic location: 17q22.
Variant type: single nucleotide variant.
Coding change: c.29T>C on transcript NM_058216.3 (MANE Select); coding-DNA position 29, T replaced by C.
Protein change: p.Met10Thr; replaces methionine 10 with threonine.
Molecular consequence: missense variant. On other transcripts: non-coding transcript variant (2).
Genome position (GRCh38, 1-based): chr17:58,692,672, T>C. VCF-style: chr17-58692672-T-C. GRCh37 (hg19) VCF-style: chr17-56770033-T-C.
Other names: c.29T>C, p.Met10Thr (NM_002876.4); short protein forms M10T.
Identifiers: ClinVar variation 1062191 (VCV001062191.10), dbSNP rs730881936, ClinGen allele CA292046852.

ClinVar aggregate classification (germline): Uncertain significance. Review status: criteria provided, multiple submitters, no conflicts (2 of 4 stars). 2 submissions from 2 submitters: Uncertain significance (2). Last evaluated 2023-09-10.

Conditions:
Fanconi anemia complementation group O. Also called: RAD51C-Related Fanconi Anemia. Identifiers: Orphanet 84, MedGen C3150653, MONDO:0013248, OMIM 613390.
Breast-ovarian cancer, familial, susceptibility to, 3. Also called: RAD51C-Related Breast/Ovarian Cancer. Identifiers: Orphanet 145, MedGen C3150659, MONDO:0013253, OMIM 613399.

Submissions (2):

Labcorp Genetics (formerly Invitae), Labcorp
Classification: Uncertain significance for Fanconi anemia complementation group O. Last evaluated: 2023-09-10. Review status: criteria provided, single submitter. Criteria: Invitae Variant Classification Sherloc (09022015). Collection method: clinical testing. Allele origin: germline.
Comment: This sequence change replaces methionine, which is neutral and non-polar, with threonine, which is neutral and polar, at codon 10 of the RAD51C protein (p.Met10Thr). This variant is not present in population databases (gnomAD no frequency). This variant has not been reported in the literature in individuals affected with RAD51C-related conditions. ClinVar contains an entry for this variant (Variation ID: 1062191). An algorithm developed to predict the effect of missense changes on protein structure and function (PolyPhen-2) suggests that this variant is likely to be disruptive. In summary, the available evidence is currently insufficient to determine the role of this variant in disease. Therefore, it has been classified as a Variant of Uncertain Significance.

Baylor Genetics
Classification: Uncertain significance for Breast-ovarian cancer, familial, susceptibility to, 3. Last evaluated: 2023-07-12. Review status: criteria provided, single submitter. Criteria: ACMG Guidelines, 2015. Collection method: clinical testing. Allele origin: unknown.